The following is an entry in ClinVar:

NM_006904.7(PRKDC):c.5992A>T (p.Met1998Leu)

Gene: PRKDC (protein kinase, DNA-activated, catalytic subunit; minus strand). Cytogenetic location: 8q11.21.
Variant type: single nucleotide variant.
Coding change: c.5992A>T on transcript NM_006904.7 (MANE Select); coding-DNA position 5992, A replaced by T.
Protein change: p.Met1998Leu; replaces methionine 1998 with leucine.
Molecular consequence: missense variant.
Genome position (GRCh38, 1-based): chr8:47,860,965, T>A on the plus strand (A>T on the coding strand, the complement: PRKDC is on the minus strand). VCF-style: chr8-47860965-T-A. GRCh37 (hg19) VCF-style: chr8-48773526-T-A.
Other names: c.5992A>T, p.Met1998Leu (NM_001081640.2); short protein forms M1998L.
Identifiers: ClinVar variation 2127327 (VCV002127327.4), dbSNP rs373881409, ClinGen allele CA371161611.

ClinVar aggregate classification (germline): Uncertain significance (1 of 4 stars; one submission).

Conditions:
Severe combined immunodeficiency due to DNA-PKcs deficiency. Also called: IMMUNODEFICIENCY 26 WITH NEUROLOGIC ABNORMALITIES; Immunodeficiency 26 with or without neurologic abnormalities. Identifiers: Orphanet 317425, MedGen C4014833, MONDO:0014423, OMIM 615966.

Submission:

Labcorp Genetics (formerly Invitae), Labcorp
Classification: Uncertain significance for Severe combined immunodeficiency due to DNA-PKcs deficiency. Last evaluated: 2022-09-13. Review status: criteria provided, single submitter. Criteria: Invitae Variant Classification Sherloc (09022015). Collection method: clinical testing. Allele origin: germline.
Comment: Experimental studies and prediction algorithms are not available or were not evaluated, and the functional significance of this variant is currently unknown. In summary, the available evidence is currently insufficient to determine the role of this variant in disease. Therefore, it has been classified as a Variant of Uncertain Significance. This variant has not been reported in the literature in individuals affected with PRKDC-related conditions. This variant is not present in population databases (gnomAD no frequency). This sequence change replaces methionine, which is neutral and non-polar, with leucine, which is neutral and non-polar, at codon 1998 of the PRKDC protein (p.Met1998Leu).